The following is an entry in ClinVar:

NM_001005242.3(PKP2):c.152_153del (p.Val51fs)

Gene: PKP2 (plakophilin 2; minus strand). Cytogenetic location: 12p11.21.
Variant type: Deletion.
Coding change: c.152_153del on transcript NM_001005242.3 (MANE Select); coding-DNA positions 152 to 153, 2 bases deleted (TC; older notation c.152_153delTC).
Protein change: p.Val51fs; shifts the reading frame from valine 51.
Molecular consequence: frameshift variant.
Genome position (GRCh38, 1-based): chr12:32,896,579-32,896,580, GA deleted on the plus strand (TC on the coding strand, the reverse complement: PKP2 is on the minus strand). VCF-style (leftmost placement, unchanged base first): chr12-32896578-TGA-T. GRCh37 (hg19) VCF-style: chr12-33049512-TGA-T.
Other names: c.152_153del, p.Val51fs (NM_004572.4); c.152_153delTC (NM_004572.3); short protein forms V51fs.
Identifiers: ClinVar variation 852405 (VCV000852405.10), dbSNP rs1957127435, ClinGen allele CA916081664.

ClinVar aggregate classification (germline): Pathogenic. Review status: criteria provided, multiple submitters, no conflicts (2 of 4 stars). 2 submissions from 2 submitters: Pathogenic (2). Last evaluated 2023-08-14.

Conditions:
Arrhythmogenic right ventricular dysplasia 9 (ARVD9). Also called: Arrhythmogenic Right Ventricular Dysplasia/Cardiomyopathy 9; ARRHYTHMOGENIC RIGHT VENTRICULAR DYSPLASIA, FAMILIAL, 9. Identifiers: MedGen C1836906, MONDO:0012180, OMIM 609040.

Allele frequency attached by ClinVar (database versions not stated): gnomAD exomes below 0.00001.

Submissions (2):

Labcorp Genetics (formerly Invitae), Labcorp
Classification: Pathogenic for Arrhythmogenic right ventricular dysplasia 9. Last evaluated: 2023-08-14. Review status: criteria provided, single submitter. Criteria: Invitae Variant Classification Sherloc (09022015). Collection method: clinical testing. Allele origin: germline.
Comment: This sequence change creates a premature translational stop signal (p.Val51Glufs*34) in the PKP2 gene. It is expected to result in an absent or disrupted protein product. Loss-of-function variants in PKP2 are known to be pathogenic (PMID: 15489853, 23911551). This variant is not present in population databases (gnomAD no frequency). This variant has not been reported in the literature in individuals affected with PKP2-related conditions. ClinVar contains an entry for this variant (Variation ID: 852405). For these reasons, this variant has been classified as Pathogenic.

Victorian Clinical Genetics Services, Murdoch Childrens Research Institute
Classification: Pathogenic for Arrhythmogenic right ventricular dysplasia 9. Last evaluated: 2022-02-02. Review status: criteria provided, single submitter. Criteria: ACMG Guidelines, 2015. Collection method: clinical testing. Allele origin: germline. Inheritance: Autosomal dominant inheritance. Affected: yes.
Comment: Based on the classification scheme VCGS_Germline_v1.3.4, this variant is classified as Pathogenic. Following criteria are met: 0102 - Loss of function is a known mechanism of disease in this gene and is associated with arrhythmogenic right ventricular dysplasia 9 (ARVD9; MIM#609040). (I) 0107 - This gene is associated with autosomal dominant disease. (I) 0112 - The condition associated with this gene has incomplete penetrance (PMID: 17010805, PMID: 23183494). (I) 0115 - Variants in this gene are known to have variable expressivity (PMID: 17010805, PMID: 23183494). (I) 0201 - Variant is predicted to cause nonsense-mediated decay (NMD) and loss of protein (premature termination codon is located at least 54 nucleotides upstream of the final exon-exon junction). (SP) 0251 - This variant is heterozygous. (I) 0301 - Variant is absent from gnomAD (both v2 and v3). (SP) 0701 - Other variants predicted to result in NMD comparable to the one identified in this case have very strong previous evidence for pathogenicity (ClinVar, DECIPHER). (SP) 0803 - This variant has limited previous evidence of pathogenicity in an unrelated individual. This variant has been reported as pathogenic in ClinVar. (SP) 0905 - No published segregation evidence has been identified for this variant. (I) 1007 - No published functional evidence has been identified for this variant. (I) 1208 - Inheritance information for this variant is not currently available in this individual. (I) Legend: (SP) - Supporting pathogenic, (I) - Information, (SB) - Supporting benign

Literature cited by the submitters: PubMed 15489853 (cited by Labcorp Genetics (formerly Invitae), Labcorp); PubMed 23911551 (cited by Labcorp Genetics (formerly Invitae), Labcorp); PubMed 17010805 (cited by Victorian Clinical Genetics Services, Murdoch Childrens Research Institute); PubMed 23183494 (cited by Victorian Clinical Genetics Services, Murdoch Childrens Research Institute).